The following is an entry in ClinVar:

NM_024105.4(ALG12):c.1221A>G (p.Gln407=)

Gene: ALG12 (ALG12 alpha-1,6-mannosyltransferase; minus strand). Cytogenetic location: 22q13.33.
Variant type: single nucleotide variant.
Coding change: c.1221A>G on transcript NM_024105.4 (MANE Select); coding-DNA position 1221, A replaced by G.
Protein change: p.Gln407=; no amino-acid change (glutamine 407 retained).
Molecular consequence: synonymous variant.
Genome position (GRCh38, 1-based): chr22:49,904,196, T>C on the plus strand (A>G on the coding strand, the complement: ALG12 is on the minus strand). VCF-style: chr22-49904196-T-C. GRCh37 (hg19) VCF-style: chr22-50297844-T-C.
Identifiers: ClinVar variation 2045525 (VCV002045525.4), dbSNP rs2060530260, ClinGen allele CA515106170.

ClinVar aggregate classification (germline): Uncertain significance (1 of 4 stars; one submission).

Conditions:
ALG12-congenital disorder of glycosylation (CDG1G). Also called: Congenital disorder of glycosylation, type Ig; ALG12-CDG; CDG Ig. Identifiers: Orphanet 79324, MedGen C2931001, MONDO:0011783, OMIM 607143.

Submission:

Labcorp Genetics (formerly Invitae), Labcorp
Classification: Uncertain significance for ALG12-congenital disorder of glycosylation. Last evaluated: 2021-12-17. Review status: criteria provided, single submitter. Criteria: Invitae Variant Classification Sherloc (09022015). Collection method: clinical testing. Allele origin: germline.
Comment: This variant has not been reported in the literature in individuals affected with ALG12-related conditions. In summary, the available evidence is currently insufficient to determine the role of this variant in disease. Therefore, it has been classified as a Variant of Uncertain Significance. Algorithms developed to predict the effect of sequence changes on RNA splicing suggest that this variant may create or strengthen a splice site. This variant is not present in population databases (gnomAD no frequency). This sequence change affects codon 407 of the ALG12 mRNA. It is a 'silent' change, meaning that it does not change the encoded amino acid sequence of the ALG12 protein.